The following is an entry in ClinVar:

NM_017534.6(MYH2):c.337T>G (p.Trp113Gly)

Genes: MYH2 (myosin heavy chain 2; minus strand), MYHAS (myosin heavy chain gene cluster antisense RNA; plus strand). Cytogenetic location: 17p13.1.
Variant type: single nucleotide variant.
Coding change: c.337T>G on transcript NM_017534.6 (MANE Select); coding-DNA position 337, T replaced by G.
Protein change: p.Trp113Gly; replaces tryptophan 113 with glycine.
Molecular consequence: missense variant.
Genome position (GRCh38, 1-based): chr17:10,547,486, A>C on the plus strand (T>G on the coding strand, the complement: MYH2 is on the minus strand). VCF-style: chr17-10547486-A-C. GRCh37 (hg19) VCF-style: chr17-10450803-A-C.
Other names: c.337T>G, p.Trp113Gly (NM_001100112.2); short protein forms W113G.
Identifiers: ClinVar variation 4737869 (VCV004737869.1).

ClinVar aggregate classification (germline): Uncertain significance (1 of 4 stars; one submission).

Conditions:
Myopathy, proximal, and ophthalmoplegia (CMYO6). Also called: MYOPATHY WITH CONGENITAL JOINT CONTRACTURES, OPHTHALMOPLEGIA, AND RIMMED VACUOLES; INCLUSION BODY MYOPATHY 3, AUTOSOMAL DOMINANT; CONGENITAL MYOPATHY 6 WITH OPHTHALMOPLEGIA. Identifiers: Orphanet 363677, Orphanet 79091, MedGen C1854106, MONDO:0011577, OMIM 605637.

gnomAD v4.1: 8 of 1,614,072 alleles (0.0005%); highest among the groups gnomAD compares: Admixed American, 0.0017%; no homozygotes.

Submission:

Labcorp Genetics (formerly Invitae), Labcorp
Classification: Uncertain significance for Myopathy, proximal, and ophthalmoplegia. Last evaluated: 2025-06-04. Review status: criteria provided, single submitter. Criteria: Invitae Variant Classification Sherloc (09022015). Collection method: clinical testing. Allele origin: germline.
Comment: This sequence change replaces tryptophan, which is neutral and slightly polar, with glycine, which is neutral and non-polar, at codon 113 of the MYH2 protein (p.Trp113Gly). This variant is present in population databases (rs748630746, gnomAD 0.0009%). This variant has not been reported in the literature in individuals affected with MYH2-related conditions. An algorithm developed to predict the effect of missense changes on protein structure and function (PolyPhen-2) suggests that this variant is likely to be disruptive. In summary, the available evidence is currently insufficient to determine the role of this variant in disease. Therefore, it has been classified as a Variant of Uncertain Significance.